The following is an entry in ClinVar:

NM_018389.5(SLC35C1):c.10G>A (p.Ala4Thr)

Gene: SLC35C1 (solute carrier family 35 member C1; plus strand). Cytogenetic location: 11p11.2.
Variant type: single nucleotide variant.
Coding change: c.10G>A on transcript NM_018389.5 (MANE Select); coding-DNA position 10, G replaced by A.
Protein change: p.Ala4Thr; replaces alanine 4 with threonine.
Molecular consequence: missense variant. On other transcripts: 5 prime UTR variant (1).
Genome position (GRCh38, 1-based): chr11:45,805,811, G>A. VCF-style: chr11-45805811-G-A. GRCh37 (hg19) VCF-style: chr11-45827362-G-A.
Other names: c.-30G>A (NM_001145265.2, NM_001145266.2); short protein forms A4T.
Identifiers: ClinVar variation 1381648 (VCV001381648.5), dbSNP rs538320044, ClinGen allele CA221584914.

ClinVar aggregate classification (germline): Uncertain significance (1 of 4 stars; one submission).

Conditions:
Leukocyte adhesion deficiency type II. Also called: CONGENITAL DISORDER OF GLYCOSYLATION, TYPE IIc; Congenital disorder of glycosylation type 2C; CDG 2C; Leukocyte adhesion deficiency type 2; Rambam Hasharon syndrome; CDG IIc. Identifiers: Orphanet 2968, Orphanet 99843, MedGen C0398739, MONDO:0009953, OMIM 266265.

Allele frequency attached by ClinVar (database versions not stated): gnomAD exomes below 0.00001; gnomAD 0.00001; 1000 Genomes Project 30x 0.00016; 1000 Genomes Project 0.00020.

Submission:

Labcorp Genetics (formerly Invitae), Labcorp
Classification: Uncertain significance for Leukocyte adhesion deficiency type II. Last evaluated: 2022-08-09. Review status: criteria provided, single submitter. Criteria: Invitae Variant Classification Sherloc (09022015). Collection method: clinical testing. Allele origin: germline.
Comment: In summary, the available evidence is currently insufficient to determine the role of this variant in disease. Therefore, it has been classified as a Variant of Uncertain Significance. Algorithms developed to predict the effect of missense changes on protein structure and function (SIFT, PolyPhen-2, Align-GVGD) all suggest that this variant is likely to be tolerated. ClinVar contains an entry for this variant (Variation ID: 1381648). This variant has not been reported in the literature in individuals affected with SLC35C1-related conditions. This variant is not present in population databases (gnomAD no frequency). This sequence change replaces alanine, which is neutral and non-polar, with threonine, which is neutral and polar, at codon 4 of the SLC35C1 protein (p.Ala4Thr).